The following is an entry in ClinVar:

ClinVar aggregate classification (germline): Likely benign (1 of 4 stars; one submission).

Conditions:
APC-related disorder. Also called: APC-related condition.

Submission:

PreventionGenetics, part of Exact Sciences
Classification: Likely benign for APC-related condition. Last evaluated: 2025-02-17. Review status: criteria provided, single submitter. Criteria: ACMG Guidelines, 2015. Collection method: clinical testing. Allele origin: germline.
Comment: This variant is classified as likely benign based on ACMG/AMP sequence variant interpretation guidelines (Richards et al. 2015 PMID: 25741868, with internal and published modifications).

NM_001127511.3(APC):c.166-28762_166-28761insATA

Gene: APC (APC regulator of Wnt signaling pathway; plus strand). Cytogenetic location: 5q22.2.
Variant type: Insertion.
Coding change: c.166-28762_166-28761insATA on transcript NM_001127511.3; 28762 bases into the intron before coding-DNA position 166 through 28761 bases into the intron before coding-DNA position 166, ATA inserted.
Molecular consequence: intron variant.
Genome position: GRCh38 VCF-style: chr5-112737564-C-CATA. GRCh37 (hg19) VCF-style: chr5-112073261-C-CATA.
Other names: c.-1053-17309_-1053-17308insATA (NM_001407470.1, NM_001407472.1); c.-18-17309_-18-17308insATA (NM_001407447.1, NM_001354895.2, NM_001407456.1 and 7 more transcripts); c.166-28762_166-28761insATA (NM_001407446.1, NM_001354897.2, NM_001354902.2); c.-42-28762_-42-28761insATA (NM_001407453.1).
Identifiers: ClinVar variation 4998004 (VCV004998004.1).